The following is an entry in ClinVar:

NM_153717.3(EVC):c.1050G>C (p.Met350Ile)

Gene: EVC (EvC ciliary complex subunit 1; plus strand). Cytogenetic location: 4p16.2.
Variant type: single nucleotide variant.
Coding change: c.1050G>C on transcript NM_153717.3 (MANE Select); coding-DNA position 1050, G replaced by C.
Protein change: p.Met350Ile; replaces methionine 350 with isoleucine.
Molecular consequence: missense variant.
Genome position (GRCh38, 1-based): chr4:5,748,258, G>C. VCF-style: chr4-5748258-G-C. GRCh37 (hg19) VCF-style: chr4-5749985-G-C.
Other names: c.1050G>C, p.Met350Ile (NM_001306090.2, NM_001306092.2); short protein forms M350I.
Identifiers: ClinVar variation 837900 (VCV000837900.9), dbSNP rs1729670311, ClinGen allele CA356151678.

ClinVar aggregate classification (germline): Uncertain significance (1 of 4 stars; one submission).

Conditions:
Ellis-van Creveld syndrome (EVC). Also called: EVC-Related Ellis-van Creveld Syndrome; EVC2-Related Ellis-van Creveld Syndrome; MESOECTODERMAL DYSPLASIA; Chondroectodermal dysplasia. Identifiers: Orphanet 289, MedGen C0013903, MONDO:0009162, OMIM 225500.
Curry-Hall syndrome (WAD). Also called: WEYERS ACRODENTAL DYSOSTOSIS. Identifiers: Orphanet 952, MedGen C0457013, MONDO:0008673, OMIM 193530.

Allele frequency attached by ClinVar (database versions not stated): gnomAD exomes below 0.00001; TOPMed below 0.00001.
gnomAD v4.1: 1 of 1,614,160 alleles (0.000062%); highest among the groups gnomAD compares: Non-Finnish European, 0.000085%; no homozygotes.

Submission:

Labcorp Genetics (formerly Invitae), Labcorp
Classification: Uncertain significance for Curry-Hall syndrome; Ellis-van Creveld syndrome. Last evaluated: 2025-12-15. Review status: criteria provided, single submitter. Criteria: Invitae Variant Classification Sherloc (09022015). Collection method: clinical testing. Allele origin: germline.
Comment: This sequence change replaces methionine, which is neutral and non-polar, with isoleucine, which is neutral and non-polar, at codon 350 of the EVC protein (p.Met350Ile). This variant is not present in population databases (gnomAD no frequency). This variant has not been reported in the literature in individuals affected with EVC-related conditions. ClinVar contains an entry for this variant (Variation ID: 837900). Invitae Evidence Modeling of protein sequence and biophysical properties (such as structural, functional, and spatial information, amino acid conservation, physicochemical variation, residue mobility, and thermodynamic stability) has been performed for this missense variant. However, the output from this modeling did not meet the statistical confidence thresholds required to predict the impact of this variant on EVC protein function. In summary, the available evidence is currently insufficient to determine the role of this variant in disease. Therefore, it has been classified as a Variant of Uncertain Significance.